The following is an entry in ClinVar:

NM_138773.4(SLC25A46):c.358T>C (p.Cys120Arg)

Gene: SLC25A46 (solute carrier family 25 member 46; plus strand). Cytogenetic location: 5q22.1.
Variant type: single nucleotide variant.
Coding change: c.358T>C on transcript NM_138773.4 (MANE Select); coding-DNA position 358, T replaced by C.
Protein change: p.Cys120Arg; replaces cysteine 120 with arginine.
Molecular consequence: missense variant. On other transcripts: non-coding transcript variant (1).
Genome position (GRCh38, 1-based): chr5:110,743,761, T>C. VCF-style: chr5-110743761-T-C. GRCh37 (hg19) VCF-style: chr5-110079462-T-C.
Other names: c.358T>C, p.Cys120Arg (NM_001303249.3); c.85T>C, p.Cys29Arg (NM_001303250.3); short protein forms C29R, C120R.
Identifiers: ClinVar variation 1438697 (VCV001438697.8), dbSNP rs1799746442, ClinGen allele CA360694273.

ClinVar aggregate classification (germline): Uncertain significance (1 of 4 stars; one submission).

Conditions:
Neuropathy, hereditary motor and sensory, type 6B (HMSN6B). Also called: NEUROPATHY, HEREDITARY MOTOR AND SENSORY, TYPE VIB, WITH OPTIC ATROPHY; HMSN VIB; CHARCOT-MARIE-TOOTH DISEASE, TYPE 6B; Neuropathy, hereditary motor and sensory, type VIB. Identifiers: MedGen C4225302, MONDO:0014671, OMIM 616505.

Submission:

Labcorp Genetics (formerly Invitae), Labcorp
Classification: Uncertain significance for Neuropathy, hereditary motor and sensory, type 6B. Last evaluated: 2022-06-20. Review status: criteria provided, single submitter. Criteria: Invitae Variant Classification Sherloc (09022015). Collection method: clinical testing. Allele origin: germline.
Comment: This variant is not present in population databases (gnomAD no frequency). In summary, the available evidence is currently insufficient to determine the role of this variant in disease. Therefore, it has been classified as a Variant of Uncertain Significance. Algorithms developed to predict the effect of missense changes on protein structure and function are either unavailable or do not agree on the potential impact of this missense change (SIFT: "Deleterious"; PolyPhen-2: "Possibly Damaging"; Align-GVGD: "Class C0"). This variant has not been reported in the literature in individuals affected with SLC25A46-related conditions. This sequence change replaces cysteine, which is neutral and slightly polar, with arginine, which is basic and polar, at codon 120 of the SLC25A46 protein (p.Cys120Arg).